The following is an entry in ClinVar:

NM_003482.4(KMT2D):c.14994G>A (p.Lys4998=)

Gene: KMT2D (lysine methyltransferase 2D; minus strand). Cytogenetic location: 12q13.12.
Variant type: single nucleotide variant.
Coding change: c.14994G>A on transcript NM_003482.4 (MANE Select); coding-DNA position 14994, G replaced by A.
Protein change: p.Lys4998=; no amino-acid change (lysine 4998 retained).
Molecular consequence: synonymous variant.
Genome position (GRCh38, 1-based): chr12:49,026,972, C>T on the plus strand (G>A on the coding strand, the complement: KMT2D is on the minus strand). VCF-style: chr12-49026972-C-T. GRCh37 (hg19) VCF-style: chr12-49420755-C-T.
Identifiers: ClinVar variation 5001957 (VCV005001957.1).

ClinVar aggregate classification (germline): Likely benign (1 of 4 stars; one submission).

Conditions:
KMT2D-related disorder. Also called: KMT2D-Related Disorders.

Submission:

PreventionGenetics, part of Exact Sciences
Classification: Likely benign for KMT2D-related condition. Last evaluated: 2025-04-03. Review status: criteria provided, single submitter. Criteria: ACMG Guidelines, 2015. Collection method: clinical testing. Allele origin: germline.
Comment: This variant is classified as likely benign based on ACMG/AMP sequence variant interpretation guidelines (Richards et al. 2015 PMID: 25741868, with internal and published modifications).